The following is an entry in ClinVar:

NM_017534.6(MYH2):c.105A>C (p.Lys35Asn)

Genes: MYH2 (myosin heavy chain 2; minus strand), MYHAS (myosin heavy chain gene cluster antisense RNA; plus strand). Cytogenetic location: 17p13.1.
Variant type: single nucleotide variant.
Coding change: c.105A>C on transcript NM_017534.6 (MANE Select); coding-DNA position 105, A replaced by C.
Protein change: p.Lys35Asn; replaces lysine 35 with asparagine.
Molecular consequence: missense variant.
Genome position (GRCh38, 1-based): chr17:10,547,816, T>G on the plus strand (A>C on the coding strand, the complement: MYH2 is on the minus strand). VCF-style: chr17-10547816-T-G. GRCh37 (hg19) VCF-style: chr17-10451133-T-G.
Other names: c.105A>C, p.Lys35Asn (NM_001100112.2); short protein forms K35N.
Identifiers: ClinVar variation 423203 (VCV000423203.2), dbSNP rs774068547, ClinGen allele CA8391731.

ClinVar aggregate classification (germline): Uncertain significance (1 of 4 stars; one submission).

Allele frequency attached by ClinVar (database versions not stated): gnomAD exomes 0.00001; ExAC 0.00002; TOPMed 0.00002.

Submission:

GeneDx
Classification: Uncertain significance. Last evaluated: 2017-02-07. Review status: criteria provided, single submitter. Criteria: GeneDx Variant Classification (06012015). Collection method: clinical testing. Allele origin: germline. Affected: yes.
Comment: The K35N variant in the MYH2 gene has not been reported previously as a pathogenic variant, nor as a benign variant, to our knowledge. The K35N variant is not observed at a significant frequency in large population cohorts (Lek et al., 2016; 1000 Genomes Consortium et al., 2015; Exome Variant Server). The K35N variant is a semi-conservative amino acid substitution, which may impact secondary protein structure as these residues differ in some properties. This substitution occurs at a position that is conserved across species. In silico analysis predicts this variant is probably damaging to the protein structure/function. We interpret K35N as a variant of uncertain significance.